The following is an entry in ClinVar:

ClinVar aggregate classification (germline): Uncertain significance (1 of 4 stars; one submission).

Submission:

Labcorp Genetics (formerly Invitae), Labcorp
Classification: Uncertain significance. Last evaluated: 2023-01-13. Review status: criteria provided, single submitter. Criteria: Invitae Variant Classification Sherloc (09022015). Collection method: clinical testing. Allele origin: unknown.
Comment: In summary, the available evidence is currently insufficient to determine the role of this variant in disease. Therefore, it has been classified as a Variant of Uncertain Significance. This variant has not been reported in the literature in individuals affected with STN1-related conditions. A gross deletion of the genomic region encompassing the full coding sequence of the STN1 gene has been identified. The current clinical and genetic evidence is not sufficient to establish whether loss-of-function variants in STN1 cause disease. The boundaries of this event are unknown as they extend beyond the assayed region for this gene and therefore may encompass additional genes.

NC_000010.10:g.(?_105642442)_(105677352_?)del

Gene: STN1 (STN1 subunit of CST complex; minus strand). Cytogenetic location: 10q24.33.
Variant type: Deletion.
Identifiers: ClinVar variation 3245011 (VCV003245011.1).